The following is an entry in ClinVar:

NM_152296.5(ATP1A3):c.1968C>T (p.His656=)

Gene: ATP1A3 (ATPase Na+/K+ transporting subunit alpha 3; minus strand). Cytogenetic location: 19q13.2.
Variant type: single nucleotide variant.
Coding change: c.1968C>T on transcript NM_152296.5 (MANE Select); coding-DNA position 1968, C replaced by T.
Protein change: p.His656=; no amino-acid change (histidine 656 retained).
Molecular consequence: synonymous variant.
Genome position (GRCh38, 1-based): chr19:41,976,542, G>A on the plus strand (C>T on the coding strand, the complement: ATP1A3 is on the minus strand). VCF-style: chr19-41976542-G-A. GRCh37 (hg19) VCF-style: chr19-42480694-G-A.
Other names: p.His656=; c.2001C>T, p.His667= (NM_001256213.2); c.2007C>T, p.His669= (NM_001256214.2).
Identifiers: ClinVar variation 536481 (VCV000536481.39), dbSNP rs142297106, ClinGen allele CA9467512.

ClinVar aggregate classification (germline): Likely benign. Review status: criteria provided, multiple submitters, no conflicts (2 of 4 stars). 4 submissions from 4 submitters: Likely benign (4). Last evaluated 2026-09-01.

Conditions:
Dystonia 12 (DYT12). Also called: DYT-ATP1A3; Rapid-Onset Dystonia-Parkinsonism (RDP). Identifiers: Orphanet 71517, MedGen C1868681, MONDO:0007496, OMIM 128235.

Allele frequency attached by ClinVar (database versions not stated): gnomAD exomes 0.00003 and 0.00006; ExAC 0.00008; ESP Exome Variant Server 0.00008; gnomAD 0.00009; TOPMed 0.00012; 1000 Genomes Project 30x 0.00016; 1000 Genomes Project 0.00020.
gnomAD v4.1: 65 of 1,614,126 alleles (0.004%); highest among the groups gnomAD compares: African/African-American, 0.008%; no homozygotes.

Submissions (4):

CeGaT Center for Human Genetics Tuebingen
Classification: Likely benign. Last evaluated: 2026-09-01. Review status: criteria provided, single submitter. Criteria: CeGaT Center For Human Genetics Tuebingen Variant Classification Criteria Version 2. Collection method: clinical testing. Allele origin: germline. Affected: yes. Observed: 2 variant alleles.
Comment: ATP1A3: BP4, BP7

Labcorp Genetics (formerly Invitae), Labcorp
Classification: Likely benign for Dystonia 12. Last evaluated: 2026-01-17. Review status: criteria provided, single submitter. Criteria: Invitae Variant Classification Sherloc (09022015). Collection method: clinical testing. Allele origin: germline.

Mayo Clinic Laboratories, Mayo Clinic
Classification: Likely benign. Last evaluated: 2025-08-01. Review status: criteria provided, single submitter. Criteria: ACMG Guidelines, 2015. Collection method: clinical testing. Allele origin: germline. Observed: 3 variant alleles.
Comment: BS2, BP4, BP7

GeneDx
Classification: Likely benign. Last evaluated: 2020-01-07. Review status: criteria provided, single submitter. Criteria: GeneDx Variant Classification Process June 2021. Collection method: clinical testing. Allele origin: germline. Affected: yes.